The following is an entry in ClinVar:

ClinVar aggregate classification (germline): Pathogenic/Likely pathogenic. Review status: criteria provided, multiple submitters, no conflicts (2 of 4 stars). 2 submissions from 2 submitters: Pathogenic (1); Likely pathogenic (1). Last evaluated 2025-03-28.

Conditions:
Hereditary breast ovarian cancer syndrome. Also called: Hereditary breast and ovarian cancer syndrome; Hereditary breast and ovarian cancer; Hereditary breast and ovarian cancer syndrome (HBOC); Breast and ovarian cancer; Hereditary breast and/or ovarian cancer syndrome; BRCA1- and BRCA2-Associated Hereditary Breast and Ovarian Cancer. Identifiers: Orphanet 145, MedGen C0677776, MeSH D061325, MONDO:0003582. Disease mechanism: loss of function.
Hereditary cancer-predisposing syndrome. Also called: Neoplastic Syndromes, Hereditary; Tumor predisposition; Hereditary neoplastic syndrome; Hereditary Cancer Syndrome. Identifiers: Orphanet 140162, MedGen C0027672, MeSH D009386, MONDO:0015356.

Submissions (2):

Labcorp Genetics (formerly Invitae), Labcorp
Classification: Pathogenic for Hereditary breast ovarian cancer syndrome. Last evaluated: 2025-03-28. Review status: criteria provided, single submitter. Criteria: Invitae Variant Classification Sherloc (09022015). Collection method: clinical testing. Allele origin: germline.
Comment: This sequence change affects a donor splice site in intron 5 of the BRCA2 gene. RNA analysis indicates that disruption of this splice site induces altered splicing and may result in an absent or altered protein product. This variant is not present in population databases (gnomAD no frequency). Disruption of this splice site has been observed in individual(s) with breast cancer, Fanconi anemia, and/or ovarian cancer (PMID: 18703817, 24156927, 28102861, 28724667, 29176636, 29446198, 30792206). ClinVar contains an entry for this variant (Variation ID: 825144). Studies have shown that disruption of this splice site alters mRNA splicing and is expected to lead to the loss of protein expression (PMID: 30883759; internal data). For these reasons, this variant has been classified as Pathogenic.

Ambry Genetics
Classification: Likely pathogenic for Hereditary cancer-predisposing syndrome. Last evaluated: 2019-10-29. Review status: criteria provided, single submitter. Criteria: Ambry Variant Classification Scheme 2023. Collection method: clinical testing. Allele origin: germline.
Comment: The c.475+2T>C intronic variant results from a T to C substitution two nucleotides after coding exon 4 in the BRCA2 gene. This nucleotide position is highly conserved in available vertebrate species. Using the BDGP and ESEfinder splice site prediction tools, this alteration is predicted to abolish the native splice donor site; however, direct evidence is unavailable. Alterations that disrupt the canonical splice site are expected to cause aberrant splicing, resulting in an abnormal protein or a transcript that is subject to nonsense-mediated mRNA decay. As such, this alteration is classified as likely pathogenic.

Literature cited by the submitters: PubMed 18703817 (cited by Labcorp Genetics (formerly Invitae), Labcorp); PubMed 24156927 (cited by Labcorp Genetics (formerly Invitae), Labcorp); PubMed 28102861 (cited by Labcorp Genetics (formerly Invitae), Labcorp); PubMed 28724667 (cited by Labcorp Genetics (formerly Invitae), Labcorp); PubMed 29176636 (cited by Labcorp Genetics (formerly Invitae), Labcorp); PubMed 29446198 (cited by Labcorp Genetics (formerly Invitae), Labcorp); PubMed 30792206 (cited by Labcorp Genetics (formerly Invitae), Labcorp); PubMed 30883759 (cited by Labcorp Genetics (formerly Invitae), Labcorp).

NM_000059.4(BRCA2):c.475+2T>C

Gene: BRCA2 (BRCA2 DNA repair associated; plus strand). Cytogenetic location: 13q13.1.
Variant type: single nucleotide variant.
Coding change: c.475+2T>C on transcript NM_000059.4 (MANE Select); the canonical splice donor site of the intron after coding-DNA position 475, T replaced by C.
Molecular consequence: splice donor variant.
Genome position (GRCh38, 1-based): chr13:32,326,152, T>C. VCF-style: chr13-32326152-T-C. GRCh37 (hg19) VCF-style: chr13-32900289-T-C.
Other names: c.475+2T>C (NM_001406720.1, NM_001406719.1, NM_001406721.1); c.106+2T>C (NM_001406722.1).
Identifiers: ClinVar variation 825144 (VCV000825144.11), dbSNP rs1555280966, ClinGen allele CA387757265.